The following is an entry in ClinVar:

NM_001127208.3(TET2):c.1848A>C (p.Pro616=)

Genes: TET2 (tet methylcytosine dioxygenase 2; plus strand), TET2-AS1 (TET2 antisense RNA 1; minus strand). Cytogenetic location: 4q24.
Variant type: single nucleotide variant.
Coding change: c.1848A>C on transcript NM_001127208.3 (MANE Select); coding-DNA position 1848, A replaced by C.
Protein change: p.Pro616=; no amino-acid change (proline 616 retained).
Molecular consequence: synonymous variant.
Genome position (GRCh38, 1-based): chr4:105,235,790, A>C. VCF-style: chr4-105235790-A-C. GRCh37 (hg19) VCF-style: chr4-106156947-A-C.
Other names: c.1848A>C, p.Pro616= (NM_017628.4).
Identifiers: ClinVar variation 3388791 (VCV003388791.15).
Genomic context (GRCh38, chr4:105,235,790, plus strand): 5'-CTCCAATCAAATGACCTCCAAACAATACACTGGAAATTCCAACATGCCTGGGGGGCTCCC[A>C]AGGCAAGCTTACACCCAGAAAACAACACAGCTGGAGCACAAGTCACAAATGTACCAAGTT-3'
Protein context (NP_001120680.1, residues 606-626): TGNSNMPGGL[Pro616=]RQAYTQKTTQ

ClinVar aggregate classification (germline): Likely benign. Review status: criteria provided, multiple submitters, no conflicts (2 of 4 stars). 2 submissions from 2 submitters: Likely benign (2). Last evaluated 2026-07-01.

Submissions (2):

CeGaT Center for Human Genetics Tuebingen
Classification: Likely benign. Last evaluated: 2026-07-01. Review status: criteria provided, single submitter. Criteria: CeGaT Center For Human Genetics Tuebingen Variant Classification Criteria Version 2. Collection method: clinical testing. Allele origin: germline. Affected: yes. Observed: 6 variant alleles.
Comment: TET2: PM2:Supporting, BP4, BP7

Ambry Genetics
Classification: Likely benign. Last evaluated: 2024-12-29. Review status: criteria provided, single submitter. Criteria: Ambry Variant Classification Scheme 2023. Collection method: clinical testing. Allele origin: germline.